The following is an entry in ClinVar:

NM_000287.4(PEX6):c.2095-21_2095-10del

Gene: PEX6 (peroxisomal biogenesis factor 6; minus strand). Cytogenetic location: 6p21.1.
Variant type: Deletion.
Coding change: c.2095-21_2095-10del on transcript NM_000287.4 (MANE Select); 21 bases into the intron before coding-DNA position 2095 through 10 bases into the intron before coding-DNA position 2095, 12 bases deleted (CACGCACTTTCC).
Molecular consequence: intron variant.
Genome position (GRCh38, 1-based): chr6:42,966,457-42,966,468, GGAAAGTGCGTG deleted on the plus strand (CACGCACTTTCC on the coding strand, the reverse complement: PEX6 is on the minus strand); deleting any 12 consecutive bases within chr6:42,966,457-42,966,469 gives the same sequence; the c. name uses the placement nearest the transcript's 3' end. VCF-style (leftmost placement, unchanged base first): chr6-42966456-TGGAAAGTGCGTG-T. GRCh37 (hg19) VCF-style: chr6-42934194-TGGAAAGTGCGTG-T.
Other names: c.1831-21_1831-10del (NM_001316313.2); c.2095-21_2095-10delCACGCACTTTCC (NM_000287.3); c.2095-21_2095-10del12 (NM_000287.3).
Identifiers: ClinVar variation 286981 (VCV000286981.27), dbSNP rs772869377, ClinGen allele CA3811120.
Genomic context (GRCh38, chr6:42,966,456, plus strand): 5'-CCTTCTTCACCTCCTGCAGCCCACCCACATCATGCCAGGACACTGAGGGGATCTAGGAGA[TGGAAAGTGCGTG>T]GTTGGGATATGCTCTTGGAGGGGCTCCTGTCCCACCTCCAAGGACTTGGTCTCCACCTTG-3'

ClinVar aggregate classification (germline): Conflicting classifications of pathogenicity. Review status: criteria provided, conflicting classifications (1 of 4 stars). 7 submissions from 7 submitters: Pathogenic (2); Likely pathogenic (2); Uncertain significance (3). Last evaluated 2026-08-11.

Conditions:
PEX6-related disorder. Also called: PEX6-related condition; PEX6-related disorders.
Heimler syndrome 2 (HMLR2). Also called: PEROXISOME BIOGENESIS DISORDER 4C. Identifiers: Orphanet 3220, MedGen C4225267, OMIM 616617, MONDO:0014709.
Peroxisome biogenesis disorder. Identifiers: Orphanet 79189, MedGen C1832200, MONDO:0019234. Disease mechanism: loss of function.

Submissions (7):

GeneDx
Classification: Likely pathogenic. Last evaluated: 2026-08-11. Review status: criteria provided, single submitter. Criteria: GeneDx Variant Classification Process June 2021. Collection method: clinical testing. Allele origin: germline.
Comment: In silico analysis supports a deleterious effect on splicing; This variant is associated with the following publications: (PMID: 15542397, 21520333, 39062617)

PreventionGenetics, part of Exact Sciences
Classification: Pathogenic for PEX6-related condition. Last evaluated: 2026-07-01. Review status: criteria provided, single submitter. Criteria: ACMG Guidelines, 2015. Collection method: clinical testing. Allele origin: germline.
Comment: The PEX6 c.2095-21_2095-10del12 variant is predicted to result in an intronic deletion. This variant, also known as IVS10-10to-21delCCTTTCACGCAC, has been reported along with a second PEX6 missense variant in individuals with a peroxisome biogenesis disorder, Zellweger syndrome, and is noted to alter splicing (Table 4, Steinberg et al. 2004. PubMed ID: 15542397; Mares Beltran et al. 2024. PubMed ID: 39062617). This variant has been reported in a fibroblast cell line with a second PEX6 truncating variant to impact PEX6 protein levels, however phenotypic information of the original patient was not provided (Figure 3, Levesque et al. 2012. PubMed ID: 22894767). This variant is reported in 0.023% of alleles in individuals of Latino descent in gnomAD and has conflicting classifications in ClinVar ranging from uncertain significance to pathogenic (Variation ID: 286981). This variant is interpreted as pathogenic.

Labcorp Genetics (formerly Invitae), Labcorp
Classification: Pathogenic for Peroxisome biogenesis disorder. Last evaluated: 2025-11-13. Review status: criteria provided, single submitter. Criteria: Invitae Variant Classification Sherloc (09022015). Collection method: clinical testing. Allele origin: germline.
Comment: This sequence change falls in intron 10 of the PEX6 gene. It does not directly change the encoded amino acid sequence of the PEX6 protein. RNA analysis indicates that this variant induces altered splicing and may result in an absent or altered protein product. This variant is present in population databases (rs772869377, gnomAD 0.02%). This variant has been observed in individuals with Zellweger syndrome (PMID: 15542397, 21520333; internal data). ClinVar contains an entry for this variant (Variation ID: 286981). Studies have shown that this variant results in insertion of additional nucleotides, and produces a non-functional protein and/or introduces a premature termination codon (PMID: 21520333; external communication). For these reasons, this variant has been classified as Pathogenic.

Baylor Genetics
Classification: Likely pathogenic for Heimler syndrome 2. Last evaluated: 2024-02-05. Review status: criteria provided, single submitter. Criteria: ACMG Guidelines, 2015. Collection method: clinical testing. Allele origin: unknown.

Blueprint Genetics
Classification: Uncertain significance. Last evaluated: 2021-09-17. Review status: criteria provided, single submitter. Criteria: ACMG Guidelines, 2015. Collection method: clinical testing. Allele origin: germline.

Mayo Clinic Laboratories, Mayo Clinic
Classification: Uncertain significance. Last evaluated: 2019-06-04. Review status: criteria provided, single submitter. Criteria: ACMG Guidelines, 2015. Collection method: clinical testing. Allele origin: germline. Observed: 2 variant alleles.

Eurofins Ntd Llc (ga)
Classification: Uncertain significance. Last evaluated: 2016-04-11. Review status: criteria provided, single submitter. Criteria: EGL Classification Definitions 2015. Collection method: clinical testing. Allele origin: germline. Observed: 1 variant allele, 1 heterozygote.

Literature cited by the submitters: PubMed 15542397 (cited by Labcorp Genetics (formerly Invitae), Labcorp); PubMed 21520333 (cited by Labcorp Genetics (formerly Invitae), Labcorp).